The following is an entry in ClinVar:

ClinVar aggregate classification (germline): Uncertain significance (1 of 4 stars; one submission).

Conditions:
MYRF-related disorder. Also called: MYRF-related disorders; MYRF-related condition.

Submission:

PreventionGenetics, part of Exact Sciences
Classification: Uncertain significance for MYRF-related condition. Last evaluated: 2026-02-04. Review status: criteria provided, single submitter. Criteria: ACMG Guidelines, 2015. Collection method: clinical testing. Allele origin: germline.
Comment: The MYRF c.2195G>A variant is predicted to result in the amino acid substitution p.Ser732Asn. To our knowledge, this variant has not been reported in the literature. This variant is reported in 0.0015% of alleles in individuals of European (Non-Finnish) descent in gnomAD. At this time, the clinical significance of this variant is uncertain due to the absence of conclusive functional and genetic evidence.

NM_001127392.3(MYRF):c.2195G>A (p.Ser732Asn)

Gene: MYRF (myelin regulatory factor; plus strand). Cytogenetic location: 11q12.2.
Variant type: single nucleotide variant.
Coding change: c.2195G>A on transcript NM_001127392.3 (MANE Select); coding-DNA position 2195, G replaced by A.
Protein change: p.Ser732Asn; replaces serine 732 with asparagine.
Molecular consequence: missense variant.
Genome position (GRCh38, 1-based): chr11:61,779,518, G>A. VCF-style: chr11-61779518-G-A. GRCh37 (hg19) VCF-style: chr11-61546990-G-A.
Other names: c.2168G>A, p.Ser723Asn (NM_013279.4); short protein forms S732N, S723N.
Identifiers: ClinVar variation 4982171 (VCV004982171.1).